The following is an entry in ClinVar:

ClinVar aggregate classification (germline): Uncertain significance (1 of 4 stars; one submission).

Conditions:
RASopathy. Also called: Noonan spectrum disorder; rasopathies. Identifiers: Orphanet 536391, MedGen C5555857, MONDO:0021060.

Submission:

Labcorp Genetics (formerly Invitae), Labcorp
Classification: Uncertain significance for RASopathy. Last evaluated: 2025-02-13. Review status: criteria provided, single submitter. Criteria: Invitae Variant Classification Sherloc (09022015). Collection method: clinical testing. Allele origin: germline.
Comment: This sequence change replaces isoleucine, which is neutral and non-polar, with leucine, which is neutral and non-polar, at codon 586 of the SOS1 protein (p.Ile586Leu). This variant is not present in population databases (gnomAD no frequency). This variant has not been reported in the literature in individuals affected with SOS1-related conditions. Invitae Evidence Modeling of protein sequence and biophysical properties (such as structural, functional, and spatial information, amino acid conservation, physicochemical variation, residue mobility, and thermodynamic stability) indicates that this missense variant is not expected to disrupt SOS1 protein function with a negative predictive value of 95%. In summary, the available evidence is currently insufficient to determine the role of this variant in disease. Therefore, it has been classified as a Variant of Uncertain Significance.

NM_005633.4(SOS1):c.1756A>C (p.Ile586Leu)

Gene: SOS1 (SOS Ras/Rac guanine nucleotide exchange factor 1; minus strand). Cytogenetic location: 2p22.1.
Variant type: single nucleotide variant.
Coding change: c.1756A>C on transcript NM_005633.4 (MANE Select); coding-DNA position 1756, A replaced by C.
Protein change: p.Ile586Leu; replaces isoleucine 586 with leucine.
Molecular consequence: missense variant.
Genome position (GRCh38, 1-based): chr2:39,022,672, T>G on the plus strand (A>C on the coding strand, the complement: SOS1 is on the minus strand). VCF-style: chr2-39022672-T-G. GRCh37 (hg19) VCF-style: chr2-39249813-T-G.
Other names: c.1735A>C, p.Ile579Leu (NM_001382394.1); c.1756A>C, p.Ile586Leu (NM_001382395.1); short protein forms I579L, I586L.
Identifiers: ClinVar variation 4747103 (VCV004747103.1).
Genomic context (GRCh38, chr2:39,022,672, plus strand): 5'-CAGTTCCTGCTTTGATAATTGGAATTCCAGCCTTGGGCTGCATGTTCTCTTCAAATATAA[T>G]ATTCTCTTCAGAGTCAGGCTCTGCAAATCTATAAACATCAGCACTAGGCAGCCTCATCTG-3'
Protein context (NP_005624.2, residues 576-596): RFAEPDSEEN[Ile586Leu]IFEENMQPKA